The following is an entry in ClinVar:

NM_001384732.1(CPLANE1):c.2566G>A (p.Glu856Lys)

Gene: CPLANE1 (ciliogenesis and planar polarity effector complex subunit 1; minus strand). Cytogenetic location: 5p13.2.
Variant type: single nucleotide variant.
Coding change: c.2566G>A on transcript NM_001384732.1 (MANE Select); coding-DNA position 2566, G replaced by A.
Protein change: p.Glu856Lys; replaces glutamic acid 856 with lysine.
Molecular consequence: missense variant.
Genome position (GRCh38, 1-based): chr5:37,224,268, C>T on the plus strand (G>A on the coding strand, the complement: CPLANE1 is on the minus strand). VCF-style: chr5-37224268-C-T. GRCh37 (hg19) VCF-style: chr5-37224370-C-T.
Other names: c.2566G>A, p.Glu856Lys (NM_023073.4); short protein forms E856K.
Identifiers: ClinVar variation 1363519 (VCV001363519.8), dbSNP rs1465109201, ClinGen allele CA359491925.

ClinVar aggregate classification (germline): Uncertain significance (1 of 4 stars; one submission).

Allele frequency attached by ClinVar (database versions not stated): gnomAD exomes below 0.00001 and 0.00001.
gnomAD v4.1: 1 of 1,548,052 alleles (0.000065%); highest among the groups gnomAD compares: Admixed American, 0.002%; no homozygotes.

Submission:

Labcorp Genetics (formerly Invitae), Labcorp
Classification: Uncertain significance. Last evaluated: 2021-06-24. Review status: criteria provided, single submitter. Criteria: Invitae Variant Classification Sherloc (09022015). Collection method: clinical testing. Allele origin: germline.
Comment: In summary, the available evidence is currently insufficient to determine the role of this variant in disease. Therefore, it has been classified as a Variant of Uncertain Significance. Advanced modeling of protein sequence and biophysical properties (such as structural, functional, and spatial information, amino acid conservation, physicochemical variation, residue mobility, and thermodynamic stability) performed at Invitae indicates that this missense variant is not expected to disrupt CPLANE1 protein function. This variant has not been reported in the literature in individuals affected with CPLANE1-related conditions. This variant is not present in population databases (ExAC no frequency). This sequence change replaces glutamic acid with lysine at codon 856 of the CPLANE1 protein (p.Glu856Lys). The glutamic acid residue is weakly conserved and there is a small physicochemical difference between glutamic acid and lysine.